The following is an entry in ClinVar:

NM_000059.4(BRCA2):c.3077A>G (p.Lys1026Arg)

Gene: BRCA2 (BRCA2 DNA repair associated; plus strand). Cytogenetic location: 13q13.1.
Variant type: single nucleotide variant.
Coding change: c.3077A>G on transcript NM_000059.4 (MANE Select); coding-DNA position 3077, A replaced by G.
Protein change: p.Lys1026Arg; replaces lysine 1026 with arginine.
Molecular consequence: missense variant.
Genome position (GRCh38, 1-based): chr13:32,337,432, A>G. VCF-style: chr13-32337432-A-G. GRCh37 (hg19) VCF-style: chr13-32911569-A-G.
Other names: short protein forms K1026R.
Identifiers: ClinVar variation 409417 (VCV000409417.20), dbSNP rs1060502380, ClinGen allele CA16614262.

ClinVar aggregate classification (germline): Conflicting classifications of pathogenicity. Review status: criteria provided, conflicting classifications (1 of 4 stars). 7 submissions from 7 submitters: Uncertain significance (4); Likely benign (3). Last evaluated 2025-12-28.

Conditions:
Hereditary breast ovarian cancer syndrome. Also called: Hereditary breast and ovarian cancer syndrome; Hereditary breast and/or ovarian cancer syndrome; BRCA1- and BRCA2-Associated Hereditary Breast and Ovarian Cancer; Hereditary breast and ovarian cancer syndrome (HBOC); Hereditary breast and ovarian cancer; Breast and ovarian cancer. Identifiers: Orphanet 145, MedGen C0677776, MeSH D061325, MONDO:0003582. Disease mechanism: loss of function.
Hereditary cancer-predisposing syndrome. Also called: Hereditary neoplastic syndrome; Neoplastic Syndromes, Hereditary; Tumor predisposition; Hereditary Cancer Syndrome. Identifiers: Orphanet 140162, MedGen C0027672, MeSH D009386, MONDO:0015356.
Breast-ovarian cancer, familial, susceptibility to, 2 (BROVCA2). Also called: BRCA2 Hereditary Breast and Ovarian Cancer. Identifiers: Orphanet 145, MedGen C2675520, MONDO:0012933, OMIM 612555. Disease mechanism: loss of function.

Allele frequency attached by ClinVar (database versions not stated): gnomAD exomes below 0.00001; TOPMed below 0.00001.
gnomAD v4.1: 6 of 1,613,216 alleles (0.00037%); highest among the groups gnomAD compares: Non-Finnish European, 0.00051%; no homozygotes.

Submissions (7):

Labcorp Genetics (formerly Invitae), Labcorp
Classification: Uncertain significance for Hereditary breast ovarian cancer syndrome. Last evaluated: 2025-12-28. Review status: criteria provided, single submitter. Criteria: Invitae Variant Classification Sherloc (09022015). Collection method: clinical testing. Allele origin: germline.
Comment: This sequence change replaces lysine, which is basic and polar, with arginine, which is basic and polar, at codon 1026 of the BRCA2 protein (p.Lys1026Arg). This variant is not present in population databases (gnomAD no frequency). This variant has not been reported in the literature in individuals affected with BRCA2-related conditions. ClinVar contains an entry for this variant (Variation ID: 409417). Invitae Evidence Modeling of protein sequence and biophysical properties (such as structural, functional, and spatial information, amino acid conservation, physicochemical variation, residue mobility, and thermodynamic stability) indicates that this missense variant is not expected to disrupt BRCA2 protein function with a negative predictive value of 95%. In summary, the available evidence is currently insufficient to determine the role of this variant in disease. Therefore, it has been classified as a Variant of Uncertain Significance.

Ambry Genetics
Classification: Uncertain significance for Hereditary cancer-predisposing syndrome. Last evaluated: 2025-11-26. Review status: criteria provided, single submitter. Criteria: Ambry Variant Classification Scheme 2023. Collection method: clinical testing. Allele origin: germline.
Comment: The p.K1026R variant (also known as c.3077A>G), located in coding exon 10 of the BRCA2 gene, results from an A to G substitution at nucleotide position 3077. The lysine at codon 1026 is replaced by arginine, an amino acid with highly similar properties. This amino acid position is well conserved in available vertebrate species. In addition, the in silico prediction for this alteration is inconclusive. Since supporting evidence is limited at this time, the clinical significance of this alteration remains unclear.

Women's Health and Genetics/Laboratory Corporation of America, LabCorp
Classification: Uncertain significance. Last evaluated: 2025-06-04. Review status: criteria provided, single submitter. Criteria: LabCorp Variant Classification Summary - May 2015. Collection method: clinical testing. Allele origin: germline.
Comment: Variant summary: BRCA2 c.3077A>G (p.Lys1026Arg) results in a conservative amino acid change in the encoded protein sequence. Algorithms developed to predict the effect of missense changes on protein structure and function are either unavailable or do not agree on the potential impact of this missense change. The variant was absent in 249974 control chromosomes. The available data on variant occurrences in the general population are insufficient to allow any conclusion about variant significance. c.3077A>G has been observed in at least one individual affected with breast cancer before age 50 without strong evidence for causality (e.g. Tung_2015). These report(s) do not provide unequivocal conclusions about association of the variant with Hereditary Breast And Ovarian Cancer Syndrome. To our knowledge, no experimental evidence demonstrating an impact on protein function has been reported. The following publication has been ascertained in the context of this evaluation (PMID: 25186627). ClinVar contains an entry for this variant (Variation ID: 409417). Based on the evidence outlined above, the variant was classified as uncertain significance.

ARUP Laboratories, Molecular Genetics and Genomics, ARUP Laboratories
Classification: Likely benign. Last evaluated: 2024-10-11. Review status: criteria provided, single submitter. Criteria: ARUP Molecular Germline Variant Investigation Process 2024. Collection method: clinical testing. Allele origin: germline.

Myriad Genetics, Inc.
Classification: Likely benign for Breast-ovarian cancer, familial, susceptibility to, 2. Last evaluated: 2024-03-11. Review status: criteria provided, single submitter. Criteria: Myriad Autosomal Dominant, Autosomal Recessive and X-Linked Classification Criteria (2023). Collection method: clinical testing. Allele origin: unknown.
Comment: This variant is considered likely benign. This variant is strongly associated with less severe personal and family histories of cancer, typical for individuals without pathogenic variants in this gene [PMID: 25085752].

University of Washington Department of Laboratory Medicine, University of Washington
Classification: Likely benign for Hereditary cancer-predisposing syndrome. Last evaluated: 2023-03-23. Review status: criteria provided, single submitter. Criteria: Dines et al. (Genet Med. 2020). Collection method: curation. Allele origin: germline.
Comment: Missense variant in a coldspot region where missense variants are very unlikely to be pathogenic (PMID:31911673).

BRCA2 exon 11 coldspot. Reclassification based on statistical prior probability.

All of Us Research Program, National Institutes of Health
Classification: Uncertain significance for Breast-ovarian cancer, familial, susceptibility to, 2. Last evaluated: 2023-03-07. Review status: criteria provided, single submitter. Criteria: ACMG Guidelines, 2015. Collection method: clinical testing. Allele origin: germline. Inheritance: Autosomal dominant inheritance. Observed: 1 variant allele, 1 heterozygote.
Comment: This missense variant replaces lysine with arginine at codon 1026 of the BRCA2 protein. Computational prediction is inconclusive regarding the impact of this variant on protein structure and function (internally defined REVEL score threshold 0.5 < inconclusive < 0.7, PMID: 27666373). To our knowledge, functional studies have not been reported for this variant. This variant has been reported in one individual affected with breast cancer and one unaffected individual (PMID: 25186627, 33471991; Leiden Open Variation Database DB-ID BRCA2_008026). This variant has not been identified in the general population by the Genome Aggregation Database (gnomAD). The available evidence is insufficient to determine the role of this variant in disease conclusively. Therefore, this variant is classified as a Variant of Uncertain Significance.

This study involves interpretation of variants in research participants for the purpose of population health screening. Participant phenotype was not available at the time of variant classification. Additional details can be found in publication PMID: 35346344, PMCID: PMC8962531

Literature cited by the submitters: PubMed 25186627 (cited by 3 submitters); PubMed 25085752 (cited by Myriad Genetics, Inc.); PubMed 33471991 (cited by All of Us Research Program, National Institutes of Health).